The following is an entry in ClinVar:

NM_014822.4(SEC24D):c.2977C>T (p.Arg993Ter)

Gene: SEC24D (SEC24 homolog D, COPII component; minus strand). Cytogenetic location: 4q26.
Variant type: single nucleotide variant.
Coding change: c.2977C>T on transcript NM_014822.4 (MANE Select); coding-DNA position 2977, C replaced by T.
Protein change: p.Arg993Ter; replaces arginine 993 with a stop codon.
Molecular consequence: nonsense.
Genome position (GRCh38, 1-based): chr4:118,723,637, G>A on the plus strand (C>T on the coding strand, the complement: SEC24D is on the minus strand). VCF-style: chr4-118723637-G-A. GRCh37 (hg19) VCF-style: chr4-119644792-G-A.
Other names: c.2977C>T (NM_014822.3); c.2980C>T, p.Arg994Ter (NM_001318066.2); short protein forms R993*, R994*.
Identifiers: ClinVar variation 2003692 (VCV002003692.5), dbSNP rs769202646, ClinGen allele CA3056799.

ClinVar aggregate classification (germline): Pathogenic/Likely pathogenic. Review status: criteria provided, multiple submitters, no conflicts (2 of 4 stars). 2 submissions from 2 submitters: Pathogenic (1); Likely pathogenic (1). Last evaluated 2023-09-22.

Conditions:
SEC24D-related disorder. Also called: SEC24D-related condition.

Allele frequency attached by ClinVar (database versions not stated): gnomAD exomes below 0.00001; ExAC 0.00001; TOPMed 0.00001.
gnomAD v4.1: 1 of 1,611,334 alleles (0.000062%); highest among the groups gnomAD compares: East Asian, 0.0022%; no homozygotes.

Submissions (2):

PreventionGenetics, part of Exact Sciences
Classification: Likely pathogenic for SEC24D-related condition. Last evaluated: 2023-09-22. Review status: criteria provided, single submitter. Criteria: ACMG Guidelines, 2015. Collection method: clinical testing. Allele origin: germline.
Comment: The SEC24D c.2977C>T variant is predicted to result in premature protein termination (p.Arg993*). To our knowledge, this variant has not been reported in the literature. This variant is reported in 0.0055% of alleles in individuals of East Asian descent in gnomAD. Nonsense variants in SEC24D are expected to be pathogenic. This protein terminating variant occurs within the last exon and therefore is not predicted to result in nonsense mediated decay, however missense pathogenic variant was observed in the affected truncated region, suggesting this region may be important for SEC24D function (Garbes et al. 2015. PubMed ID: 25683121). This variant and another downstream truncating variant have been listed as pathogenic in ClinVar database. This variant has been observed in two siblings with osteogenesis imperfecta and scoliosis (Internal Data, PreventionGenetics). This variant is interpreted as likely pathogenic.

Labcorp Genetics (formerly Invitae), Labcorp
Classification: Pathogenic. Last evaluated: 2022-06-12. Review status: criteria provided, single submitter. Criteria: Invitae Variant Classification Sherloc (09022015). Collection method: clinical testing. Allele origin: germline.
Comment: For these reasons, this variant has been classified as Pathogenic. This variant disrupts a region of the SEC24D protein in which other variant(s) (p.Ser1015Phe) have been determined to be pathogenic (PMID: 25683121). This suggests that this is a clinically significant region of the protein, and that variants that disrupt it are likely to be disease-causing. This variant has not been reported in the literature in individuals affected with SEC24D-related conditions. This variant is present in population databases (rs769202646, gnomAD 0.006%). This sequence change creates a premature translational stop signal (p.Arg993*) in the SEC24D gene. While this is not anticipated to result in nonsense mediated decay, it is expected to disrupt the last 40 amino acid(s) of the SEC24D protein.

Literature cited by the submitters: PubMed 25683121 (cited by Labcorp Genetics (formerly Invitae), Labcorp).